The following is an entry in ClinVar:

ClinVar aggregate classification (germline): Benign/Likely benign. Review status: criteria provided, multiple submitters, no conflicts (2 of 4 stars). 12 submissions from 9 submitters: Benign (8); Likely benign (4). Last evaluated 2026-09-01.

Conditions:
Cardiovascular phenotype. Identifiers: MedGen CN230736.
Early-onset myopathy with fatal cardiomyopathy (CMYO5). Also called: Salih Myopathy; CONGENITAL MYOPATHY 5 WITH CARDIOMYOPATHY. Identifiers: Orphanet 289377, MedGen C2673677, MONDO:0012714, OMIM 611705. Disease mechanism: loss of function.
Myopathy, myofibrillar, 9, with early respiratory failure (MFM9). Also called: Hereditary myopathy with early respiratory failure; Myopathy, distal, with early respiratory failure, autosomal dominant; MYOPATHY, PROXIMAL, WITH EARLY RESPIRATORY MUSCLE INVOLVEMENT; EDSTROM MYOPATHY. Identifiers: Orphanet 178464, Orphanet 34521, MedGen C1863599, MONDO:0011362, OMIM 603689.
Autosomal recessive limb-girdle muscular dystrophy type 2J (LGMDR10). Also called: Limb-girdle muscular dystrophy, type 2J; MUSCULAR DYSTROPHY, LIMB-GIRDLE, AUTOSOMAL RECESSIVE 10. Identifiers: Orphanet 140922, MedGen C1837342, MONDO:0012127, OMIM 608807.
Dilated cardiomyopathy 1G (CMD1G). Identifiers: Orphanet 154, MedGen C1858763, MONDO:0011400, OMIM 604145.
Tibial muscular dystrophy (TMD). Also called: Tibial muscular dystrophy, tardive; Udd Distal Myopathy – Tibial Muscular Dystrophy; UDD MYOPATHY. Identifiers: Orphanet 609, MedGen C1838244, MONDO:0010870, OMIM 600334.
Hypertrophic cardiomyopathy 9. Also called: Familial hypertrophic cardiomyopathy 9. Identifiers: MedGen C1861065, MONDO:0013412, OMIM 613765.

Allele frequency attached by ClinVar (database versions not stated): ESP Exome Variant Server 0.00009; gnomAD exomes 0.00012 and 0.00070; gnomAD 0.00015 and 0.00016; TOPMed 0.00033; ExAC 0.00097.
gnomAD v4.1: 201 of 1,595,410 alleles (0.013%); highest among the groups gnomAD compares: Admixed American, 0.32%; no homozygotes.

Submissions (12):

CeGaT Center for Human Genetics Tuebingen
Classification: Likely benign. Last evaluated: 2026-09-01. Review status: criteria provided, single submitter. Criteria: CeGaT Center For Human Genetics Tuebingen Variant Classification Criteria Version 2. Collection method: clinical testing. Allele origin: germline. Affected: yes. Observed: 6 variant alleles.
Comment: TTN: BP4

Labcorp Genetics (formerly Invitae), Labcorp
Classification: Benign for Dilated cardiomyopathy 1G; Autosomal recessive limb-girdle muscular dystrophy type 2J. Last evaluated: 2026-02-03. Review status: criteria provided, single submitter. Criteria: Invitae Variant Classification Sherloc (09022015). Collection method: clinical testing. Allele origin: germline.

Athena Diagnostics
Classification: Benign. Last evaluated: 2025-07-07. Review status: criteria provided, single submitter. Criteria: Athena Diagnostics Criteria. Collection method: clinical testing. Allele origin: unknown.
Comment: The frequency of this variant in the general population is higher than would generally be expected for pathogenic variants in this gene. Computational tools yielded predictions that this variant is unlikely to have an effect on normal RNA splicing.

Fulgent Genetics
Classification: Likely benign for Tibial muscular dystrophy; Myopathy, myofibrillar, 9, with early respiratory failure; Dilated cardiomyopathy 1G; Autosomal recessive limb-girdle muscular dystrophy type 2J; Early-onset myopathy with fatal cardiomyopathy; Hypertrophic cardiomyopathy 9. Last evaluated: 2021-11-12. Review status: criteria provided, single submitter. Criteria: ACMG Guidelines, 2015. Collection method: clinical testing. Allele origin: unknown.

GeneDx
Classification: Likely benign. Last evaluated: 2021-09-23. Review status: criteria provided, single submitter. Criteria: GeneDx Variant Classification Process June 2021. Collection method: clinical testing. Allele origin: germline. Affected: yes.
Comment: This variant is associated with the following publications: (PMID: 26582918)

Genome-Nilou Lab
Classification: Benign for Autosomal recessive limb-girdle muscular dystrophy type 2J. Last evaluated: 2021-09-10. Review status: criteria provided, single submitter. Criteria: ACMG Guidelines, 2015. Collection method: clinical testing. Allele origin: germline. Affected: no.

Genome-Nilou Lab
Classification: Benign for Myopathy, myofibrillar, 9, with early respiratory failure. Last evaluated: 2021-09-10. Review status: criteria provided, single submitter. Criteria: ACMG Guidelines, 2015. Collection method: clinical testing. Allele origin: germline. Affected: no.

Genome-Nilou Lab
Classification: Benign for Early-onset myopathy with fatal cardiomyopathy. Last evaluated: 2021-09-10. Review status: criteria provided, single submitter. Criteria: ACMG Guidelines, 2015. Collection method: clinical testing. Allele origin: germline. Affected: no.

Genome-Nilou Lab
Classification: Benign for Tibial muscular dystrophy. Last evaluated: 2021-09-10. Review status: criteria provided, single submitter. Criteria: ACMG Guidelines, 2015. Collection method: clinical testing. Allele origin: germline. Affected: no.

Women's Health and Genetics/Laboratory Corporation of America, LabCorp
Classification: Benign. Last evaluated: 2020-01-25. Review status: criteria provided, single submitter. Criteria: LabCorp Variant Classification Summary - May 2015. Collection method: clinical testing. Allele origin: germline.

Ambry Genetics
Classification: Likely benign for Cardiovascular phenotype. Last evaluated: 2018-07-16. Review status: criteria provided, single submitter. Criteria: Ambry Variant Classification Scheme 2023. Collection method: clinical testing. Allele origin: germline.

Laboratory for Molecular Medicine, Mass General Brigham Personalized Medicine
Classification: Benign. Last evaluated: 2017-08-10. Review status: criteria provided, single submitter. Criteria: LMM Criteria. Collection method: clinical testing. Allele origin: germline. Observed: 1 variant allele.
Comment: p.Pro10937Pro in exon 168 of TTN: This variant is not expected to have clinical significance because it does not alter an amino acid residue, is not located wit hin the splice consensus sequence. It has been identified in (0.4%) 156/31978 La tino chromosomes by the Genome Aggregation Database (gnomAD; dbSNP rs367958537).

NM_001267550.2(TTN):c.40515G>A (p.Pro13505=)

Gene: TTN (titin; minus strand). Cytogenetic location: 2q31.2.
Variant type: single nucleotide variant.
Coding change: c.40515G>A on transcript NM_001267550.2 (MANE Select); coding-DNA position 40515, G replaced by A.
Protein change: p.Pro13505=; no amino-acid change (proline 13505 retained).
Molecular consequence: synonymous variant.
Genome position (GRCh38, 1-based): chr2:178,642,280, C>T on the plus strand (G>A on the coding strand, the complement: TTN is on the minus strand). VCF-style: chr2-178642280-C-T. GRCh37 (hg19) VCF-style: chr2-179507007-C-T.
Other names: c.35592G>A, p.Pro11864= (NM_001256850.1); c.32811G>A, p.Pro10937= (NM_133378.4); c.13320G>A, p.Pro4440= (NM_003319.4); c.13695G>A, p.Pro4565= (NM_133432.3); c.13896G>A, p.Pro4632= (NM_133437.4); c.40515G>A (NM_001267550.1).
Identifiers: ClinVar variation 378816 (VCV000378816.47), dbSNP rs367958537, ClinGen allele CA1996468.